The following is an entry in ClinVar:

NM_001024613.4(FEZF1):c.1318G>C (p.Glu440Gln)

Gene: FEZF1 (FEZ family zinc finger 1; minus strand). Cytogenetic location: 7q31.32.
Variant type: single nucleotide variant.
Coding change: c.1318G>C on transcript NM_001024613.4 (MANE Select); coding-DNA position 1318, G replaced by C.
Protein change: p.Glu440Gln; replaces glutamic acid 440 with glutamine.
Molecular consequence: missense variant.
Genome position (GRCh38, 1-based): chr7:122,302,107, C>G on the plus strand (G>C on the coding strand, the complement: FEZF1 is on the minus strand). VCF-style: chr7-122302107-C-G. GRCh37 (hg19) VCF-style: chr7-121942161-C-G.
Other names: c.1168G>C, p.Glu390Gln (NM_001160264.3); short protein forms E440Q, E390Q.
Identifiers: ClinVar variation 2020581 (VCV002020581.4), dbSNP rs2485174122, ClinGen allele CA369025153.

ClinVar aggregate classification (germline): Uncertain significance (1 of 4 stars; one submission).

Submission:

Labcorp Genetics (formerly Invitae), Labcorp
Classification: Uncertain significance. Last evaluated: 2022-07-30. Review status: criteria provided, single submitter. Criteria: Invitae Variant Classification Sherloc (09022015). Collection method: clinical testing. Allele origin: germline.
Comment: This sequence change replaces glutamic acid, which is acidic and polar, with glutamine, which is neutral and polar, at codon 440 of the FEZF1 protein (p.Glu440Gln). This variant is not present in population databases (gnomAD no frequency). This variant has not been reported in the literature in individuals affected with FEZF1-related conditions. Algorithms developed to predict the effect of missense changes on protein structure and function are either unavailable or do not agree on the potential impact of this missense change (SIFT: "Tolerated"; PolyPhen-2: "Not Available"; Align-GVGD: "Class C0"). In summary, the available evidence is currently insufficient to determine the role of this variant in disease. Therefore, it has been classified as a Variant of Uncertain Significance.